The following is an entry in ClinVar:

ClinVar aggregate classification (germline): Likely benign (1 of 4 stars; one submission).

Allele frequency attached by ClinVar (database versions not stated): gnomAD exomes below 0.00001.
gnomAD v4.1: 1 of 1,612,822 alleles (0.000062%); highest among the groups gnomAD compares: Non-Finnish European, 0.000085%; no homozygotes.

Submission:

CeGaT Center for Human Genetics Tuebingen
Classification: Likely benign. Last evaluated: 2023-08-01. Review status: criteria provided, single submitter. Criteria: CeGaT Center For Human Genetics Tuebingen Variant Classification Criteria Version 2. Collection method: clinical testing. Allele origin: germline. Affected: yes. Observed: 1 variant allele.
Comment: AFG3L2: PM2:Supporting, BP4, BP7

NM_006796.3(AFG3L2):c.762G>T (p.Leu254=)

Gene: AFG3L2 (AFG3 like matrix AAA peptidase subunit 2; minus strand). Cytogenetic location: 18p11.21.
Variant type: single nucleotide variant.
Coding change: c.762G>T on transcript NM_006796.3 (MANE Select); coding-DNA position 762, G replaced by T.
Protein change: p.Leu254=; no amino-acid change (leucine 254 retained).
Molecular consequence: synonymous variant.
Genome position (GRCh38, 1-based): chr18:12,358,934, C>A on the plus strand (G>T on the coding strand, the complement: AFG3L2 is on the minus strand). VCF-style: chr18-12358934-C-A. GRCh37 (hg19) VCF-style: chr18-12358933-C-A.
Identifiers: ClinVar variation 2648598 (VCV002648598.24), dbSNP rs2143192678, ClinGen allele CA503245095.